The following is an entry in ClinVar:

NM_144670.6(A2ML1):c.3116C>T (p.Ala1039Val)

Gene: A2ML1 (alpha-2-macroglobulin like 1; plus strand). Cytogenetic location: 12p13.31.
Variant type: single nucleotide variant.
Coding change: c.3116C>T on transcript NM_144670.6 (MANE Select); coding-DNA position 3116, C replaced by T.
Protein change: p.Ala1039Val; replaces alanine 1039 with valine.
Molecular consequence: missense variant.
Genome position (GRCh38, 1-based): chr12:8,857,954, C>T. VCF-style: chr12-8857954-C-T. GRCh37 (hg19) VCF-style: chr12-9010550-C-T.
Other names: c.1643C>T, p.Ala548Val (NM_001282424.3); short protein forms A1039V, A548V.
Identifiers: ClinVar variation 561867 (VCV000561867.4), dbSNP rs769398333, ClinGen allele CA383837803.
Genomic context (GRCh38, chr12:8,857,954, plus strand): 5'-CCCTCACCTGGAAATTCCTCTTCATGCCATATTTTCCTCTTTACCCATGTAGGCTGACAG[C>T]GTTTGTCACAAAATGCTTTGGCCAAGCTCAGAAATTCATCTTCATTGATCCCAAGAACAT-3'
Protein context (NP_653271.3, residues 1029-1049): RDGNGNTWLT[Ala1039Val]FVTKCFGQAQ

ClinVar aggregate classification (germline): Uncertain significance. Review status: criteria provided, multiple submitters, no conflicts (2 of 4 stars). 2 submissions from 2 submitters: Uncertain significance (2). Last evaluated 2026-01-13.

Allele frequency attached by ClinVar (database versions not stated): gnomAD 0.00001; TOPMed 0.00001.
gnomAD v4.1: 9 of 1,613,922 alleles (0.00056%); highest among the groups gnomAD compares: African/African-American, 0.0013%; no homozygotes.

Submissions (2):

Labcorp Genetics (formerly Invitae), Labcorp
Classification: Uncertain significance. Last evaluated: 2026-01-13. Review status: criteria provided, single submitter. Criteria: Invitae Variant Classification Sherloc (09022015). Collection method: clinical testing. Allele origin: germline.
Comment: This sequence change replaces alanine, which is neutral and non-polar, with valine, which is neutral and non-polar, at codon 1039 of the A2ML1 protein (p.Ala1039Val). This variant is not present in population databases (gnomAD no frequency). This variant has not been reported in the literature in individuals affected with A2ML1-related conditions. ClinVar contains an entry for this variant (Variation ID: 561867). An algorithm developed to predict the effect of missense changes on protein structure and function (PolyPhen-2) suggests that this variant is likely to be disruptive. In summary, the available evidence is currently insufficient to determine the role of this variant in disease. Therefore, it has been classified as a Variant of Uncertain Significance.

GeneDx
Classification: Uncertain significance. Last evaluated: 2021-01-27. Review status: criteria provided, single submitter. Criteria: GeneDx Variant Classification Process June 2021. Collection method: clinical testing. Allele origin: germline. Affected: yes.
Comment: Not observed in large population cohorts (Lek et al., 2016); In silico analysis supports that this missense variant has a deleterious effect on protein structure/function; Has not been previously published as pathogenic or benign to our knowledge